The following is an entry in ClinVar:

NM_001079872.2(CUL4B):c.1220C>A (p.Ala407Glu)

Gene: CUL4B (cullin 4B; minus strand). Cytogenetic location: Xq24.
Variant type: single nucleotide variant.
Coding change: c.1220C>A on transcript NM_001079872.2 (MANE Select); coding-DNA position 1220, C replaced by A.
Protein change: p.Ala407Glu; replaces alanine 407 with glutamic acid.
Molecular consequence: missense variant.
Genome position (GRCh38, 1-based): chrX:120,543,763, G>T on the plus strand (C>A on the coding strand, the complement: CUL4B is on the minus strand). VCF-style: chrX-120543763-G-T. GRCh37 (hg19) VCF-style: chrX-119677618-G-T.
Other names: c.1235C>A, p.Ala412Glu (NM_001330624.2); c.686C>A, p.Ala229Glu (NM_001369145.1); c.1274C>A, p.Ala425Glu (NM_003588.4); short protein forms A407E, A229E, A412E, A425E.
Identifiers: ClinVar variation 4977924 (VCV004977924.1).
Genomic context (GRCh38, chrX:120,543,763, plus strand): 5'-TTAAATTCAGCATGTGGTACTTACTGGGTGGTCTGATCTAAGTAAGTAATAAGTCTGTCT[G>T]CTTCTTCTTCTAGACGTTTGTTAACATGATGTAGATATTCAGGAACCTACAAAGATAGTT-3'
Protein context (NP_001073341.1, residues 397-417): HHVNKRLEEE[Ala407Glu]DRLITYLDQT

ClinVar aggregate classification (germline): Uncertain significance (1 of 4 stars; one submission).

Conditions:
CUL4B-related disorder. Also called: CUL4B-related condition.

Submission:

PreventionGenetics, part of Exact Sciences
Classification: Uncertain significance for CUL4B-related condition. Last evaluated: 2024-12-12. Review status: criteria provided, single submitter. Criteria: ACMG Guidelines, 2015. Collection method: clinical testing. Allele origin: germline.
Comment: The CUL4B c.1274C>A variant is predicted to result in the amino acid substitution p.Ala425Glu. To our knowledge, this variant has not been reported in the literature or in a large population database (gnomAD), indicating this variant is rare. At this time, the clinical significance of this variant is uncertain due to the absence of conclusive functional and genetic evidence.